The following is an entry in ClinVar:

ClinVar aggregate classification (germline): Likely pathogenic (1 of 4 stars; one submission).

Submission:

GeneDx
Classification: Likely pathogenic. Last evaluated: 2019-02-19. Review status: criteria provided, single submitter. Criteria: GeneDx Variant Classification (06012015). Collection method: clinical testing. Allele origin: germline. Affected: yes.
Comment: The c.988_989delCC variant in the CYBB gene has not been reported previously as a pathogenic variant nor as a benign variant, to our knowledge. The c.988_989delCC variant causes a frameshift starting with codon Proline 330, changes this amino acid to a Lysine residue, and creates a premature Stop codon at position 17 of the new reading frame, denoted p.Pro330LysfsX17. This variant is predicted to cause loss of normal protein function either through protein truncation or nonsense-mediated mRNA decay. The c.988_989delCC variant is not observed in large population cohorts (Lek et al., 2016). We interpret c.988_989delCC as a likely pathogenic variant.

NM_000397.4(CYBB):c.988_989del (p.Pro330fs)

Gene: CYBB (cytochrome b-245 beta chain; plus strand). Cytogenetic location: Xp11.4.
Variant type: Deletion.
Coding change: c.988_989del on transcript NM_000397.4 (MANE Select); coding-DNA positions 988 to 989, 2 bases deleted (CC; older notation c.988_989delCC).
Protein change: p.Pro330fs; shifts the reading frame from proline 330.
Molecular consequence: frameshift variant.
Genome position (GRCh38, 1-based): chrX:37,803,967-37,803,968, CC deleted; deleting any 2 consecutive bases within chrX:37,803,966-37,803,968 gives the same sequence; the c. name uses the placement nearest the transcript's 3' end. VCF-style (leftmost placement, unchanged base first): chrX-37803965-GCC-G. GRCh37 (hg19) VCF-style: chrX-37663218-GCC-G.
Other names: short protein forms P330fs.
Identifiers: ClinVar variation 817455 (VCV000817455.1), dbSNP rs1602183161, ClinGen allele CA915950923.